The following is an entry in ClinVar:

ClinVar aggregate classification (germline): Likely pathogenic (0 of 4 stars; one submission).

Conditions:
Cohen syndrome (COH1). Also called: PEPPER SYNDROME; Cutis verticis gyrata, retinitis pigmentosa, and sensorineural deafness. Identifiers: Orphanet 193, MedGen C0265223, MONDO:0008999, OMIM 216550.

Submission:

Juha Muilu Group; Institute for Molecular Medicine Finland (FIMM)
Classification: Likely pathogenic for Cohen syndrome. Review status: no assertion criteria provided. Collection method: not provided. Allele origin: unknown.
Comment: FinDis database variant: This variant was not found or characterized by our laboratory, data were collected from public sources: see reference
ClinVar note: Converted during submission from probable-pathogenic to Likely pathogenic.

NM_152564.5(VPS13B):c.219_220delinsT (p.Lys73fs)

Gene: VPS13B (vacuolar protein sorting 13 homolog B; plus strand). Cytogenetic location: 8q22.2.
Variant type: Indel.
Coding change: c.219_220delinsT on transcript NM_152564.5 (MANE Select); coding-DNA positions 219 to 220, AC replaced by T.
Protein change: p.Lys73fs; shifts the reading frame from lysine 73.
Molecular consequence: frameshift variant. On other transcripts: non-coding transcript variant (1).
Genome position (GRCh38, 1-based): chr8:99,038,494-99,038,495, AC replaced by T. VCF-style: chr8-99038494-AC-T. GRCh37 (hg19) VCF-style: chr8-100050722-AC-T.
Other names: c.219_220delACinsT (NM_017890.4); c.219_220delinsT, p.Lys73fs (NM_015243.3, NM_017890.5, NM_181661.3); short protein forms K73fs.
Identifiers: ClinVar variation 56651 (VCV000056651.2), dbSNP rs386834075, ClinGen allele CA264049.